The following is an entry in ClinVar:

ClinVar aggregate classification (germline): Likely pathogenic (1 of 4 stars; one submission).

Conditions:
Cardiovascular phenotype. Identifiers: MedGen CN230736.

Submission:

Ambry Genetics
Classification: Likely pathogenic for Cardiovascular phenotype. Last evaluated: 2022-04-11. Review status: criteria provided, single submitter. Criteria: Ambry Variant Classification Scheme 2023. Collection method: clinical testing. Allele origin: germline.
Comment: The c.75039_75040delAA variant, located in coding exon 185 of the TTN gene, results from a deletion of two nucleotides at nucleotide positions 75039 to 75040, causing a translational frameshift with a predicted alternate stop codon (p.R25014Sfs*4). This exon is located in the M-band region of the N2-B isoform of the titin protein and is constitutively expressed in TTN transcripts (percent spliced in or PSI 100%). A different deletion resulting in the same protein impact (c.75042_75043delAG, p.R25014Sfs*4) has been reported in association with dilated cardiomyopathy (Cuenca S et al. J Heart Lung Transplant. 2016 05;35(5):625-35). This variant is considered to be rare based on population cohorts in the Genome Aggregation Database (gnomAD). This alteration is expected to result in loss of function by premature protein truncation or nonsense-mediated mRNA decay. While truncating variants in TTN are present in 1-3% of the general population, truncating variants in the M-band have been reported in association with autosomal recessive titinopathies, primarily presenting with skeletal myopathy phenotypes (Ceyhan-Birsoy O et al. Neurology. 2013 Oct 1;81(14):1205-14; De Cid R et al. Neurology. 2015;85(24):2126-35). In addition, regardless of their position, TTN truncating variants encoded in constitutive exons (PSI >90%) have been found to be significantly associated with dilated cardiomyopathy (DCM), though truncating variants in the A-band are the most common cause of DCM (Herman DS et al. N. Engl. J. Med., 2012 Feb;366:619-28; Roberts AM et al. Sci Transl Med, 2015 Jan;7:270ra6; Schafer S et al. Nat. Genet., 2017 01;49:46-53). Based on the majority of available evidence to date, this variant is likely to be pathogenic in association with autosomal recessive titinopathy; however, the clinical significance of this alteration with respect to cardiomyopathy remains unclear.

Literature cited by the submitters: PubMed 26899768.

NM_001267550.2(TTN):c.102234_102235del (p.Arg34079fs)

Genes: TTN (titin; minus strand), TTN-AS1 (TTN antisense RNA 1; plus strand). Cytogenetic location: 2q31.2.
Variant type: Deletion.
Coding change: c.102234_102235del on transcript NM_001267550.2 (MANE Select); coding-DNA positions 102234 to 102235, 2 bases deleted (AA; older notation c.102234_102235delAA).
Protein change: p.Arg34079fs; shifts the reading frame from arginine 34079.
Molecular consequence: frameshift variant.
Genome position (GRCh38, 1-based): chr2:178,534,380-178,534,381, TT deleted on the plus strand (AA on the coding strand, the reverse complement: TTN is on the minus strand); deleting any 2 consecutive bases within chr2:178,534,380-178,534,382 gives the same sequence; the c. name uses the placement nearest the transcript's 3' end. VCF-style (leftmost placement, unchanged base first): chr2-178534379-CTT-C. GRCh37 (hg19) VCF-style: chr2-179399106-CTT-C.
Other names: c.97311_97312del, p.Arg32438fs (NM_001256850.1); c.75039_75040del, p.Arg25014fs (NM_003319.4); c.94530_94531del, p.Arg31511fs (NM_133378.4); c.75414_75415del, p.Arg25139fs (NM_133432.3); c.75615_75616del, p.Arg25206fs (NM_133437.4); c.75039_75040delAA (NM_003319.4); short protein forms R25014fs, R32438fs, R34079fs, R25139fs, R31511fs, R25206fs.
Identifiers: ClinVar variation 1759225 (VCV001759225.2), dbSNP rs2468533193, ClinGen allele CA2580064925.